The following is an entry in ClinVar:

ClinVar aggregate classification (germline): Uncertain significance. Review status: criteria provided, multiple submitters, no conflicts (2 of 4 stars). 2 submissions from 2 submitters: Uncertain significance (2). Last evaluated 2023-10-18.

Conditions:
Cardiovascular phenotype. Identifiers: MedGen CN230736.
Hypertrophic cardiomyopathy. Also called: HYPERTROPHIC MYOCARDIOPATHY. Identifiers: Orphanet 217569, MedGen C0007194, MeSH D002312, MONDO:0005045, HP:0001639.

Submissions (2):

Labcorp Genetics (formerly Invitae), Labcorp
Classification: Uncertain significance for Hypertrophic cardiomyopathy. Last evaluated: 2023-10-18. Review status: criteria provided, single submitter. Criteria: Invitae Variant Classification Sherloc (09022015). Collection method: clinical testing. Allele origin: germline.
Comment: This sequence change replaces asparagine, which is neutral and polar, with lysine, which is basic and polar, at codon 656 of the MYH7 protein (p.Asn656Lys). This variant is not present in population databases (gnomAD no frequency). This variant has not been reported in the literature in individuals affected with MYH7-related conditions. ClinVar contains an entry for this variant (Variation ID: 1720933). Advanced modeling of protein sequence and biophysical properties (such as structural, functional, and spatial information, amino acid conservation, physicochemical variation, residue mobility, and thermodynamic stability) performed at Invitae indicates that this missense variant is expected to disrupt MYH7 protein function. In summary, the available evidence is currently insufficient to determine the role of this variant in disease. Therefore, it has been classified as a Variant of Uncertain Significance.

Ambry Genetics
Classification: Uncertain significance for Cardiovascular phenotype. Last evaluated: 2021-11-08. Review status: criteria provided, single submitter. Criteria: Ambry Variant Classification Scheme 2023. Collection method: clinical testing. Allele origin: germline.
Comment: The p.N656K variant (also known as c.1968C>G), located in coding exon 16 of the MYH7 gene, results from a C to G substitution at nucleotide position 1968. The asparagine at codon 656 is replaced by lysine, an amino acid with similar properties. This alteration is located in the myosin head domain, which contains a statistically significant clustering of pathogenic missense variants (Homburger JR et al. Proc Natl Acad Sci U S A, 2016 06;113:6701-6; Walsh R et al. Genet Med, 2017 02;19:192-203; Ambry internal data). This amino acid position is highly conserved in available vertebrate species. In addition, the in silico prediction for this alteration is inconclusive. Since supporting evidence is limited at this time, the clinical significance of this alteration remains unclear.

NM_000257.4(MYH7):c.1968C>G (p.Asn656Lys)

Gene: MYH7 (myosin heavy chain 7; minus strand). Cytogenetic location: 14q11.2.
Variant type: single nucleotide variant.
Coding change: c.1968C>G on transcript NM_000257.4 (MANE Select); coding-DNA position 1968, C replaced by G.
Protein change: p.Asn656Lys; replaces asparagine 656 with lysine.
Molecular consequence: missense variant.
Genome position (GRCh38, 1-based): chr14:23,426,853, G>C on the plus strand (C>G on the coding strand, the complement: MYH7 is on the minus strand). VCF-style: chr14-23426853-G-C. GRCh37 (hg19) VCF-style: chr14-23896062-G-C.
Other names: c.1968C>G, p.Asn656Lys (NM_001407004.1); short protein forms N656K.
Identifiers: ClinVar variation 1720933 (VCV001720933.7), dbSNP rs2502292780, ClinGen allele CA389049417.